The following is an entry in ClinVar:

NM_020982.4(CLDN9):c.75C>G (p.Cys25Trp)

Gene: CLDN9 (claudin 9; plus strand). Cytogenetic location: 16p13.3.
Variant type: single nucleotide variant.
Coding change: c.75C>G on transcript NM_020982.4 (MANE Select); coding-DNA position 75, C replaced by G.
Protein change: p.Cys25Trp; replaces cysteine 25 with tryptophan.
Molecular consequence: missense variant.
Genome position (GRCh38, 1-based): chr16:3,013,437, C>G. VCF-style: chr16-3013437-C-G. GRCh37 (hg19) VCF-style: chr16-3063438-C-G.
Other names: short protein forms C25W.
Identifiers: ClinVar variation 4979582 (VCV004979582.1).

ClinVar aggregate classification (germline): Uncertain significance (1 of 4 stars; one submission).

Conditions:
CLDN9-related disorder. Also called: CLDN9-related condition.

gnomAD v4.1: 21 of 1,613,932 alleles (0.0013%); highest among the groups gnomAD compares: East Asian, 0.013%; no homozygotes.

Submission:

PreventionGenetics, part of Exact Sciences
Classification: Uncertain significance for CLDN9-related condition. Last evaluated: 2025-02-17. Review status: criteria provided, single submitter. Criteria: ACMG Guidelines, 2015. Collection method: clinical testing. Allele origin: germline.
Comment: The CLDN9 c.75C>G variant is predicted to result in the amino acid substitution p.Cys25Trp. This variant was reported in homozygous state an individual with hearing loss who was also heterozygous for potentially causative variants in FLNA and ANKRD11 (Santos-Cortez et al. 2021. PubMed ID: 33924653). This variant is reported in 0.035% of alleles in individuals of East Asian descent in gnomAD. At this time, the clinical significance of this variant is uncertain due to the absence of conclusive functional and genetic evidence.